The following is an entry in ClinVar:

ClinVar aggregate classification (germline): Uncertain significance (1 of 4 stars; one submission).

Submission:

GeneDx
Classification: Uncertain significance. Last evaluated: 2019-08-28. Review status: criteria provided, single submitter. Criteria: GeneDx Variant Classification Process June 2021. Collection method: clinical testing. Allele origin: germline. Affected: yes.
Comment: Not observed in large population cohorts (Lek et al., 2016); In silico analysis, which includes protein predictors and evolutionary conservation, supports a deleterious effect; Has not been previously published as pathogenic or benign to our knowledge

NM_001372044.2(SHANK3):c.521A>G (p.Gln174Arg)

Gene: SHANK3 (SH3 and multiple ankyrin repeat domains 3; plus strand). Cytogenetic location: 22q13.33.
Variant type: single nucleotide variant.
Coding change: c.521A>G on transcript NM_001372044.2 (MANE Select); coding-DNA position 521, A replaced by G.
Protein change: p.Gln174Arg; replaces glutamine 174 with arginine.
Molecular consequence: missense variant.
Genome position (GRCh38, 1-based): chr22:50,676,650, A>G. VCF-style: chr22-50676650-A-G. GRCh37 (hg19) VCF-style: chr22-51115078-A-G.
Other names: c.296A>G (NM_033517.1); short protein forms Q174R.
Identifiers: ClinVar variation 1308076 (VCV001308076.2), dbSNP rs2146768744, ClinGen allele CA515251964.